The following is an entry in ClinVar:

ClinVar aggregate classification (germline): Likely pathogenic (1 of 4 stars; one submission).

Conditions:
Dilated cardiomyopathy 1G (CMD1G). Identifiers: Orphanet 154, MedGen C1858763, MONDO:0011400, OMIM 604145.
Autosomal recessive limb-girdle muscular dystrophy type 2J (LGMDR10). Also called: Limb-girdle muscular dystrophy, type 2J; MUSCULAR DYSTROPHY, LIMB-GIRDLE, AUTOSOMAL RECESSIVE 10. Identifiers: Orphanet 140922, MedGen C1837342, MONDO:0012127, OMIM 608807.

Submission:

Labcorp Genetics (formerly Invitae), Labcorp
Classification: Likely pathogenic for Dilated cardiomyopathy 1G; Autosomal recessive limb-girdle muscular dystrophy type 2J. Last evaluated: 2024-11-26. Review status: criteria provided, single submitter. Criteria: Invitae Variant Classification Sherloc (09022015). Collection method: clinical testing. Allele origin: germline.
Comment: This sequence change creates a premature translational stop signal (p.Glu17291*) in the TTN gene. While this is not anticipated to result in nonsense mediated decay, it is expected to create a truncated TTN protein. This variant is not present in population databases (gnomAD no frequency). This premature translational stop signal has been observed in individual(s) with dilated cardiomyopathy (internal data). ClinVar contains an entry for this variant (Variation ID: 2042866). Algorithms developed to predict the effect of sequence changes on RNA splicing suggest that this variant may disrupt the consensus splice site. This variant is located in the A band of TTN (PMID: 25589632). Truncating variants in this region are significantly overrepresented in patients affected with dilated cardiomyopathy (PMID: 25589632). Truncating variants in this region have also been reported in individuals affected with autosomal recessive centronuclear myopathy (PMID: 23975875). In summary, the currently available evidence indicates that the variant is pathogenic, but additional data are needed to prove that conclusively. Therefore, this variant has been classified as Likely Pathogenic.

Literature cited by the submitters: PubMed 25589632; PubMed 23975875.

NM_001267550.2(TTN):c.51871G>T (p.Glu17291Ter)

Genes: TTN-AS1 (TTN antisense RNA 1; plus strand), TTN (titin; minus strand). Cytogenetic location: 2q31.2.
Variant type: single nucleotide variant.
Coding change: c.51871G>T on transcript NM_001267550.2 (MANE Select); coding-DNA position 51871, G replaced by T.
Protein change: p.Glu17291Ter; replaces glutamic acid 17291 with a stop codon.
Molecular consequence: nonsense.
Genome position (GRCh38, 1-based): chr2:178,609,439, C>A on the plus strand (G>T on the coding strand, the complement: TTN is on the minus strand). VCF-style: chr2-178609439-C-A. GRCh37 (hg19) VCF-style: chr2-179474166-C-A.
Other names: c.46948G>T, p.Glu15650Ter (NM_001256850.1); c.24676G>T, p.Glu8226Ter (NM_003319.4); c.44167G>T, p.Glu14723Ter (NM_133378.4); c.25051G>T, p.Glu8351Ter (NM_133432.3); c.25252G>T, p.Glu8418Ter (NM_133437.4); short protein forms E8351*, E15650*, E8226*, E14723*, E17291*, E8418*.
Identifiers: ClinVar variation 2042866 (VCV002042866.4), dbSNP rs2470388671, ClinGen allele CA349579594.
Genomic context (GRCh38, chr2:178,609,439, plus strand): 5'-CTTCTTGAACTTCACCCTTCCTTCTCCTAACCAAGGGTGCTGCACGCTTCTTAATTTCCT[C>A]TGGTACAATAACATTTTCATCCTTTATCCATGTAATAGTTGGGTAAGGTGATCCAGAAAT-3'